The following is an entry in ClinVar:

ClinVar aggregate classification (germline): Benign/Likely benign. Review status: criteria provided, multiple submitters, no conflicts (2 of 4 stars). 7 submissions from 6 submitters: Benign (5); Likely benign (1). 1 of the submissions does not count toward it. Last evaluated 2026-04-01.

Conditions:
Acrokeratosis verruciformis of Hopf (AKV). Also called: Acrokeratosis verruciformis; HOPF DISEASE. Identifiers: Orphanet 79151, MedGen C0265971, MONDO:0007048, OMIM 101900.
Keratosis follicularis (DAR). Also called: Darier disease; Darier's disease. Identifiers: Orphanet 218, MedGen C0022595, MONDO:0007417, OMIM 124200.
ATP2A2-related disorder. Also called: ATP2A2-related condition; ATP2A2-Related Disorders.

Allele frequency attached by ClinVar (database versions not stated): gnomAD exomes 0.00016 and 0.00037; ExAC 0.00039; ESP Exome Variant Server 0.00131; gnomAD 0.00137 and 0.00148; 1000 Genomes Project 30x 0.00141; TOPMed 0.00158; 1000 Genomes Project 0.00160.
gnomAD v4.1: 438 of 1,612,200 alleles (0.027%); highest among the groups gnomAD compares: African/African-American, 0.53%; 1 homozygote.

Submissions (7):

CeGaT Center for Human Genetics Tuebingen
Classification: Likely benign. Last evaluated: 2026-04-01. Review status: criteria provided, single submitter. Criteria: CeGaT Center For Human Genetics Tuebingen Variant Classification Criteria Version 2. Collection method: clinical testing. Allele origin: germline. Affected: yes. Observed: 1 variant allele.
Comment: ATP2A2: BP4, BP7, BS1

Labcorp Genetics (formerly Invitae), Labcorp
Classification: Benign. Last evaluated: 2025-12-15. Review status: criteria provided, single submitter. Criteria: Invitae Variant Classification Sherloc (09022015). Collection method: clinical testing. Allele origin: germline.

Genome-Nilou Lab
Classification: Benign for Acrokeratosis verruciformis of Hopf. Last evaluated: 2021-12-05. Review status: criteria provided, single submitter. Criteria: ACMG Guidelines, 2015. Collection method: clinical testing. Allele origin: germline. Affected: no.

Genome-Nilou Lab
Classification: Benign for Keratosis follicularis. Last evaluated: 2021-12-05. Review status: criteria provided, single submitter. Criteria: ACMG Guidelines, 2015. Collection method: clinical testing. Allele origin: germline. Affected: no.

Athena Diagnostics
Classification: Benign. Last evaluated: 2018-04-11. Review status: criteria provided, single submitter. Criteria: Athena Diagnostics Criteria. Collection method: clinical testing. Allele origin: germline.

Illumina Laboratory Services, Illumina
Classification: Benign for Keratosis follicularis. Last evaluated: 2018-01-12. Review status: criteria provided, single submitter. Criteria: ICSL Variant Classification Criteria 13 December 2019. Collection method: clinical testing. Allele origin: germline.
Comment: This variant was observed in the ICSL laboratory as part of a predisposition screen in an ostensibly healthy population. It had not been previously curated by ICSL or reported in the Human Gene Mutation Database (HGMD: prior to June 1st, 2018), and was therefore a candidate for classification through an automated scoring system. Utilizing variant allele frequency, disease prevalence and penetrance estimates, and inheritance mode, an automated score was calculated to assess if this variant is too frequent to cause the disease. Based on the score and internal cut-off values, a variant classified as benign is not then subjected to further curation. The score for this variant resulted in a classification of benign for this disease.

PreventionGenetics, part of Exact Sciences
Classification: Benign for ATP2A2-related condition. Last evaluated: 2019-08-14. Review status: no assertion criteria provided. Collection method: clinical testing. Allele origin: germline. Not counted in ClinVar's aggregate classification.
Comment: This variant is classified as benign based on ACMG/AMP sequence variant interpretation guidelines (Richards et al. 2015 PMID: 25741868, with internal and published modifications).

NM_170665.4(ATP2A2):c.1167T>C (p.Tyr389=)

Gene: ATP2A2 (ATPase sarcoplasmic/endoplasmic reticulum Ca2+ transporting 2; plus strand). Cytogenetic location: 12q24.11.
Variant type: single nucleotide variant.
Coding change: c.1167T>C on transcript NM_170665.4 (MANE Select); coding-DNA position 1167, T replaced by C.
Protein change: p.Tyr389=; no amino-acid change (tyrosine 389 retained).
Molecular consequence: synonymous variant.
Genome position (GRCh38, 1-based): chr12:110,332,668, T>C. VCF-style: chr12-110332668-T-C. GRCh37 (hg19) VCF-style: chr12-110770473-T-C.
Other names: c.1167T>C, p.Tyr389= (NM_001681.4).
Identifiers: ClinVar variation 307170 (VCV000307170.18), dbSNP rs115016152, ClinGen allele CA6783830.